The following is an entry in ClinVar:

ClinVar aggregate classification (germline): Uncertain significance (1 of 4 stars; one submission).

Conditions:
Atypical hemolytic-uremic syndrome. Identifiers: Orphanet 2134, MedGen C2931788, MONDO:0016244.

Submission:

Genomenon, Inc
Classification: Uncertain significance for Atypical hemolytic-uremic syndrome. Last evaluated: 2026-09-17. Review status: criteria provided, single submitter. Criteria: Genomenon Sequence Variant Interpretation Standards - Updated. Collection method: curation. Allele origin: germline. Affected: no.
Comment: CD46 p.Pro10Leu (c.29C>T) is a missense variant that changes the amino acid at codon 10 from proline to leucine. This variant has been reported in the published literature (PMID:39969315). It is absent or not present at a significant frequency in gnomAD. In silico models predict that this variant is not damaging. In conclusion, we classify CD46 p.Pro10Leu (c.29C>T) as a variant of uncertain significance.

Literature cited by the submitters: PubMed 39969315.

NM_172351.3(CD46):c.29C>T (p.Pro10Leu)

Genes: CD46 (CD46 molecule; plus strand), LOC129932405 (ATAC-STARR-seq lymphoblastoid active region 2449; plus strand). Cytogenetic location: 1q32.2.
Variant type: single nucleotide variant.
Coding change: c.29C>T on transcript NM_172351.3 (MANE Select); coding-DNA position 29, C replaced by T.
Protein change: p.Pro10Leu; replaces proline 10 with leucine.
Molecular consequence: missense variant.
Genome position (GRCh38, 1-based): chr1:207,752,241, C>T. VCF-style: chr1-207752241-C-T. GRCh37 (hg19) VCF-style: chr1-207925586-C-T.
Other names: c.29C>T, p.Pro10Leu (NM_002389.4, NM_153826.4, NM_172350.3 and 8 more transcripts); short protein forms P10L.
Identifiers: ClinVar variation 4976852 (VCV004976852.1).
Genomic context (GRCh38, chr1:207,752,241, plus strand): 5'-CCGGAGAAATAACAGCGTCTTCCGCGCCGCGCATGGAGCCTCCCGGCCGCCGCGAGTGTC[C>T]CTTTCCTTCCTGGCGCTTTCCTGGGTTGCTTCTGGCGGCCATGGTGTTGCTGCTGTACTC-3'
Protein context (NP_758861.1, residues 1-20): MEPPGRREC[Pro10Leu]FPSWRFPGLL